The following is an entry in ClinVar:

NM_003998.4(NFKB1):c.1049A>G (p.Tyr350Cys)

Gene: NFKB1 (nuclear factor kappa B subunit 1; plus strand). Cytogenetic location: 4q24.
Variant type: single nucleotide variant.
Coding change: c.1049A>G on transcript NM_003998.4 (MANE Select); coding-DNA position 1049, A replaced by G.
Protein change: p.Tyr350Cys; replaces tyrosine 350 with cysteine.
Molecular consequence: missense variant.
Genome position (GRCh38, 1-based): chr4:102,584,803, A>G. VCF-style: chr4-102584803-A-G. GRCh37 (hg19) VCF-style: chr4-103505960-A-G.
Other names: c.1046A>G, p.Tyr349Cys (NM_001165412.2, NM_001319226.2, NM_001382627.1); c.1049A>G, p.Tyr350Cys (NM_001382625.1, NM_001382626.1); c.1007A>G, p.Tyr336Cys (NM_001382628.1); short protein forms Y336C, Y349C, Y350C.
Identifiers: ClinVar variation 3677037 (VCV003677037.3).

ClinVar aggregate classification (germline): Conflicting classifications of pathogenicity. Review status: criteria provided, conflicting classifications (1 of 4 stars). 2 submissions from 2 submitters: Pathogenic (1); Uncertain significance (1). Last evaluated 2024-02-06.

Conditions:
NFKB1-related disorder. Also called: NFKB1-related condition.

Submissions (2):

Labcorp Genetics (formerly Invitae), Labcorp
Classification: Uncertain significance. Last evaluated: 2024-02-06. Review status: criteria provided, single submitter. Criteria: Invitae Variant Classification Sherloc (09022015). Collection method: clinical testing. Allele origin: germline.
Comment: This sequence change replaces tyrosine, which is neutral and polar, with cysteine, which is neutral and slightly polar, at codon 350 of the NFKB1 protein (p.Tyr350Cys). This variant is not present in population databases (gnomAD no frequency). This missense change has been observed in individual(s) with common variable immunodeficiency (PMID: 33995346). It has also been observed to segregate with disease in related individuals. Advanced modeling of protein sequence and biophysical properties (such as structural, functional, and spatial information, amino acid conservation, physicochemical variation, residue mobility, and thermodynamic stability) performed at Invitae indicates that this missense variant is expected to disrupt NFKB1 protein function with a positive predictive value of 80%. Experimental studies have shown that this missense change affects NFKB1 function (PMID: 33995346). In summary, the available evidence is currently insufficient to determine the role of this variant in disease. Therefore, it has been classified as a Variant of Uncertain Significance.

Blueprint Genetics
Classification: Pathogenic for NFKB1-related disorders. Last evaluated: 2023-01-20. Review status: criteria provided, single submitter. Criteria: ACMG Guidelines, 2015. Collection method: clinical testing. Allele origin: germline. Affected: yes. Observed: 1 variant allele.

Literature cited by the submitters: PubMed 33995346 (cited by Labcorp Genetics (formerly Invitae), Labcorp).